The following is an entry in ClinVar:

NM_001365951.3(KIF1B):c.*3911A>G

Gene: KIF1B (kinesin family member 1B; plus strand). Cytogenetic location: 1p36.22.
Variant type: single nucleotide variant.
Coding change: c.*3911A>G on transcript NM_001365951.3 (MANE Select); 3911 bases downstream of the stop codon, A replaced by G.
Molecular consequence: 3 prime UTR variant.
Genome position (GRCh38, 1-based): chr1:10,380,498, A>G. VCF-style: chr1-10380498-A-G. GRCh37 (hg19) VCF-style: chr1-10440556-A-G.
Other names: c.*3911A>G (NM_001365952.1, NM_015074.3).
Identifiers: ClinVar variation 291652 (VCV000291652.6), dbSNP rs1138791, ClinGen allele CA10607250.

ClinVar aggregate classification (germline): Benign. Review status: criteria provided, multiple submitters, no conflicts (2 of 4 stars). 2 submissions from 2 submitters: Benign (2). Last evaluated 2018-01-12.

Conditions:
Neuroblastoma (NB). Identifiers: Orphanet 635, MedGen C0027819, MeSH D009447, MONDO:0005072, HP:0003006.

Allele frequency attached by ClinVar (database versions not stated): gnomAD exomes 0.34547; gnomAD 0.35950 and 0.35665; 1000 Genomes Project 0.34884; TOPMed 0.35942; 1000 Genomes Project 30x 0.35431.
gnomAD v4.1: 64,574 of 181,500 alleles (36%); highest among the groups gnomAD compares: Admixed American, 39%; 11,614 homozygotes.

Submissions (2):

Illumina Laboratory Services, Illumina
Classification: Benign for Neuroblastoma. Last evaluated: 2018-01-12. Review status: criteria provided, single submitter. Criteria: ICSL Variant Classification Criteria 13 December 2019. Collection method: clinical testing. Allele origin: germline.
Comment: This variant was observed in the ICSL laboratory as part of a predisposition screen in an ostensibly healthy population. It had not been previously curated by ICSL or reported in the Human Gene Mutation Database (HGMD: prior to June 1st, 2018), and was therefore a candidate for classification through an automated scoring system. Utilizing variant allele frequency, disease prevalence and penetrance estimates, and inheritance mode, an automated score was calculated to assess if this variant is too frequent to cause the disease. Based on the score and internal cut-off values, a variant classified as benign is not then subjected to further curation. The score for this variant resulted in a classification of benign for this disease.

Breakthrough Genomics
Classification: Benign. Review status: criteria provided, single submitter. Criteria: ACMG Guidelines, 2015. Collection method: not provided. Allele origin: germline. Inheritance: Autosomal dominant inheritance. Affected: yes.